The following is an entry in ClinVar:

NM_000094.4(COL7A1):c.138C>A (p.Ser46=)

Gene: COL7A1 (collagen type VII alpha 1 chain; minus strand). Cytogenetic location: 3p21.31.
Variant type: single nucleotide variant.
Coding change: c.138C>A on transcript NM_000094.4 (MANE Select); coding-DNA position 138, C replaced by A.
Protein change: p.Ser46=; no amino-acid change (serine 46 retained).
Molecular consequence: synonymous variant.
Genome position (GRCh38, 1-based): chr3:48,594,496, G>T on the plus strand (C>A on the coding strand, the complement: COL7A1 is on the minus strand). VCF-style: chr3-48594496-G-T. GRCh37 (hg19) VCF-style: chr3-48631929-G-T.
Identifiers: ClinVar variation 1956070 (VCV001956070.6), dbSNP rs1370098824, ClinGen allele CA433546799.

ClinVar aggregate classification (germline): Likely benign. Review status: criteria provided, multiple submitters, no conflicts (2 of 4 stars). 2 submissions from 2 submitters: Likely benign (2). Last evaluated 2025-12-07.

Allele frequency attached by ClinVar (database versions not stated): gnomAD exomes below 0.00001.

Submissions (2):

Labcorp Genetics (formerly Invitae), Labcorp
Classification: Likely benign. Last evaluated: 2025-12-07. Review status: criteria provided, single submitter. Criteria: Invitae Variant Classification Sherloc (09022015). Collection method: clinical testing. Allele origin: germline.

Women's Health and Genetics/Laboratory Corporation of America, LabCorp
Classification: Likely benign. Last evaluated: 2023-02-15. Review status: criteria provided, single submitter. Criteria: LabCorp Variant Classification Summary - May 2015. Collection method: clinical testing. Allele origin: germline.
Comment: Variant summary: COL7A1 c.138C>A alters a non-conserved nucleotide resulting in a synonymous change. The variant was absent in 250320 control chromosomes. The available data on variant occurrences in the general population are insufficient to allow any conclusion about variant significance. To our knowledge, no occurrence of c.138C>A in individuals affected with Dystrophic Epidermolysis Bullosa, Recessive and no experimental evidence demonstrating its impact on protein function have been reported. One clinical diagnostic laboratory has submitted clinical-significance assessments for this variant to ClinVar after 2014 without evidence for independent evaluation, and classified the variant as likely benign. Based on the evidence outlined above, the variant was classified as likely benign.